The following is an entry in ClinVar:

NM_000350.3(ABCA4):c.5898+20C>T

Gene: ABCA4 (ATP binding cassette subfamily A member 4; minus strand). Cytogenetic location: 1p22.1.
Variant type: single nucleotide variant.
Coding change: c.5898+20C>T on transcript NM_000350.3 (MANE Select); 20 bases into the intron after coding-DNA position 5898, C replaced by T.
Molecular consequence: intron variant.
Genome position (GRCh38, 1-based): chr1:94,008,215, G>A on the plus strand (C>T on the coding strand, the complement: ABCA4 is on the minus strand). VCF-style: chr1-94008215-G-A. GRCh37 (hg19) VCF-style: chr1-94473771-G-A.
Identifiers: ClinVar variation 507729 (VCV000507729.10), dbSNP rs761429989, ClinGen allele CA957085.

ClinVar aggregate classification (germline): Likely benign. Review status: criteria provided, multiple submitters, no conflicts (2 of 4 stars). 3 submissions from 3 submitters: Likely benign (3). Last evaluated 2026-02-02.

Allele frequency attached by ClinVar (database versions not stated): ExAC 0.00005; TOPMed 0.00005; gnomAD 0.00006.
gnomAD v4.1: 96 of 1,613,318 alleles (0.006%); highest among the groups gnomAD compares: East Asian, 0.029%; 2 homozygotes.

Submissions (3):

Labcorp Genetics (formerly Invitae), Labcorp
Classification: Likely benign. Last evaluated: 2026-02-02. Review status: criteria provided, single submitter. Criteria: Invitae Variant Classification Sherloc (09022015). Collection method: clinical testing. Allele origin: germline.

Blueprint Genetics
Classification: Likely benign. Last evaluated: 2024-10-14. Review status: criteria provided, single submitter. Criteria: ACMG Guidelines, 2015. Collection method: clinical testing. Allele origin: germline.

GeneDx
Classification: Likely benign. Last evaluated: 2017-03-21. Review status: criteria provided, single submitter. Criteria: GeneDx Variant Classification (06012015). Collection method: clinical testing. Allele origin: germline. Affected: yes.
Comment: This variant is considered likely benign or benign based on one or more of the following criteria: it is a conservative change, it occurs at a poorly conserved position in the protein, it is predicted to be benign by multiple in silico algorithms, and/or has population frequency not consistent with disease.